The following is an entry in ClinVar:

ClinVar aggregate classification (germline): Uncertain significance (1 of 4 stars; one submission).

Submission:

CeGaT Center for Human Genetics Tuebingen
Classification: Uncertain significance. Last evaluated: 2022-04-01. Review status: criteria provided, single submitter. Criteria: CeGaT Center For Human Genetics Tuebingen Variant Classification Criteria Version 2. Collection method: clinical testing. Allele origin: germline. Affected: yes. Observed: 1 variant allele.
Comment: MORC2: PM2, PP2, BP4

NM_001303256.3(MORC2):c.470C>T (p.Pro157Leu)

Gene: MORC2 (MORC family CW-type zinc finger 2; minus strand). Cytogenetic location: 22q12.2.
Variant type: single nucleotide variant.
Coding change: c.470C>T on transcript NM_001303256.3 (MANE Select); coding-DNA position 470, C replaced by T.
Protein change: p.Pro157Leu; replaces proline 157 with leucine.
Molecular consequence: missense variant.
Genome position (GRCh38, 1-based): chr22:30,942,228, G>A on the plus strand (C>T on the coding strand, the complement: MORC2 is on the minus strand). VCF-style: chr22-30942228-G-A. GRCh37 (hg19) VCF-style: chr22-31338215-G-A.
Other names: c.470C>T, p.Pro157Leu (NM_001303257.2); c.284C>T, p.Pro95Leu (NM_014941.3); short protein forms P157L, P95L.
Identifiers: ClinVar variation 2653063 (VCV002653063.24), dbSNP rs370868047, ClinGen allele CA411243957.